The following is an entry in ClinVar:

ClinVar aggregate classification (germline): Likely benign (1 of 4 stars; one submission).

Allele frequency attached by ClinVar (database versions not stated): gnomAD exomes 0.00156; gnomAD 0.01365 and 0.01465; TOPMed 0.01504; 1000 Genomes Project 0.01538; 1000 Genomes Project 30x 0.01718.
gnomAD v4.1: 3,280 of 881,876 alleles (0.37%); highest among the groups gnomAD compares: African/African-American, 4.7%; 64 homozygotes.

Submission:

GeneDx
Classification: Likely benign. Last evaluated: 2018-06-19. Review status: criteria provided, single submitter. Criteria: GeneDx Variant Classification (06012015). Collection method: clinical testing. Allele origin: germline. Affected: yes.
Comment: This variant is considered likely benign or benign based on one or more of the following criteria: it is a conservative change, it occurs at a poorly conserved position in the protein, it is predicted to be benign by multiple in silico algorithms, and/or has population frequency not consistent with disease.

NM_001005361.3(DNM2):c.2059-136G>C

Gene: DNM2 (dynamin 2; plus strand). Cytogenetic location: 19p13.2.
Variant type: single nucleotide variant.
Coding change: c.2059-136G>C on transcript NM_001005361.3 (MANE Select); 136 bases into the intron before coding-DNA position 2059, G replaced by C.
Molecular consequence: intron variant.
Genome position (GRCh38, 1-based): chr19:10,828,900, G>C. VCF-style: chr19-10828900-G-C. GRCh37 (hg19) VCF-style: chr19-10939576-G-C.
Other names: c.2059-136G>C (NM_001005360.3, NM_001190716.2); c.2047-136G>C (NM_004945.4, NM_001005362.3).
Identifiers: ClinVar variation 676916 (VCV000676916.1), dbSNP rs8109524, ClinGen allele CA305270759.